The following is an entry in ClinVar:

NM_006949.4(STXBP2):c.1121G>A (p.Gly374Asp)

Gene: STXBP2 (syntaxin binding protein 2; plus strand). Cytogenetic location: 19p13.2.
Variant type: single nucleotide variant.
Coding change: c.1121G>A on transcript NM_006949.4 (MANE Select); coding-DNA position 1121, G replaced by A.
Protein change: p.Gly374Asp; replaces glycine 374 with aspartic acid.
Molecular consequence: missense variant. On other transcripts: non-coding transcript variant (1).
Genome position (GRCh38, 1-based): chr19:7,644,627, G>A. VCF-style: chr19-7644627-G-A. GRCh37 (hg19) VCF-style: chr19-7709513-G-A.
Other names: c.1112G>A, p.Gly371Asp (NM_001127396.3); c.1154G>A, p.Gly385Asp (NM_001272034.2); c.1025G>A, p.Gly342Asp (NM_001414484.1); short protein forms G371D, G385D, G342D, G374D.
Identifiers: ClinVar variation 2194597 (VCV002194597.3), dbSNP rs766874081, ClinGen allele CA403161013.

ClinVar aggregate classification (germline): Uncertain significance (1 of 4 stars; one submission).

Conditions:
Familial hemophagocytic lymphohistiocytosis 5. Also called: STXBP2-Related Familial Hemophagocytic Lymphohistiocytosis (STXBP2-fHLH). Identifiers: Orphanet 540, MedGen C2751293, MONDO:0013135, OMIM 613101.

Submission:

Labcorp Genetics (formerly Invitae), Labcorp
Classification: Uncertain significance for Familial hemophagocytic lymphohistiocytosis 5. Last evaluated: 2024-04-29. Review status: criteria provided, single submitter. Criteria: Invitae Variant Classification Sherloc (09022015). Collection method: clinical testing. Allele origin: germline.
Comment: This sequence change replaces glycine, which is neutral and non-polar, with aspartic acid, which is acidic and polar, at codon 374 of the STXBP2 protein (p.Gly374Asp). This variant is not present in population databases (gnomAD no frequency). This variant has not been reported in the literature in individuals affected with STXBP2-related conditions. ClinVar contains an entry for this variant (Variation ID: 2194597). Advanced modeling of protein sequence and biophysical properties (such as structural, functional, and spatial information, amino acid conservation, physicochemical variation, residue mobility, and thermodynamic stability) performed at Invitae indicates that this missense variant is expected to disrupt STXBP2 protein function with a positive predictive value of 80%. In summary, the available evidence is currently insufficient to determine the role of this variant in disease. Therefore, it has been classified as a Variant of Uncertain Significance.